The following is an entry in ClinVar:

ClinVar aggregate classification (germline): Pathogenic (1 of 4 stars; one submission).

Conditions:
RYR1-related disorder. Also called: RYR1-related condition; RYR1-related disorders. Identifiers: MedGen CN239331.

Submission:

Labcorp Genetics (formerly Invitae), Labcorp
Classification: Pathogenic for RYR1-related disorder. Last evaluated: 2024-04-11. Review status: criteria provided, single submitter. Criteria: Invitae Variant Classification Sherloc (09022015). Collection method: clinical testing. Allele origin: germline.
Comment: This sequence change creates a premature translational stop signal (p.Tyr4630Thrfs*18) in the RYR1 gene. It is expected to result in an absent or disrupted protein product. Loss-of-function variants in RYR1 are known to be pathogenic (PMID: 23919265, 25960145, 28818389, 30611313). This variant is not present in population databases (gnomAD no frequency). This variant has not been reported in the literature in individuals affected with RYR1-related conditions. For these reasons, this variant has been classified as Pathogenic.

Literature cited by the submitters: PubMed 23919265; PubMed 25960145; PubMed 28818389; PubMed 30611313.

NM_000540.3(RYR1):c.13888del (p.Tyr4630fs)

Gene: RYR1 (ryanodine receptor 1; plus strand). Cytogenetic location: 19q13.2.
Variant type: Deletion.
Coding change: c.13888del on transcript NM_000540.3 (MANE Select); coding-DNA position 13888, one base deleted (T; older notation c.13888delT).
Protein change: p.Tyr4630fs; shifts the reading frame from tyrosine 4630.
Molecular consequence: frameshift variant.
Genome position (GRCh38, 1-based): chr19:38,572,160, T deleted. VCF-style (leftmost placement, unchanged base first): chr19-38572159-GT-G. GRCh37 (hg19) VCF-style: chr19-39062799-GT-G.
Other names: c.13873del, p.Tyr4625fs (NM_001042723.2); short protein forms Y4625fs, Y4630fs.
Identifiers: ClinVar variation 3628327 (VCV003628327.2).
Genomic context (GRCh38, chr19:38,572,159, plus strand): 5'-CTCTGGCTGGGGCTTGGGGGCCGGAGAGGAGGCAGAGGGCGATGAGGATGAGAACATGGT[GT>G]ACTACTTCCTGGAGGAAAGCACAGGCTACATGGAACCCGCCCTGCGGTGTCTGAGCCTCC-3'